The following is an entry in ClinVar:

NM_000038.6(APC):c.4759del (p.Ser1587fs)

Gene: APC (APC regulator of Wnt signaling pathway; plus strand). Cytogenetic location: 5q22.2.
Variant type: Deletion.
Coding change: c.4759del on transcript NM_000038.6 (MANE Select); coding-DNA position 4759, one base deleted (T; older notation c.4759delT).
Protein change: p.Ser1587fs; shifts the reading frame from serine 1587.
Molecular consequence: frameshift variant.
Genome position (GRCh38, 1-based): chr5:112,840,353, T deleted. VCF-style (leftmost placement, unchanged base first): chr5-112840352-GT-G. GRCh37 (hg19) VCF-style: chr5-112176049-GT-G.
Other names: c.4759del, p.Ser1587fs (NM_001127510.3, NM_001354895.2); c.4705del, p.Ser1569fs (NM_001127511.3); c.4813del, p.Ser1605fs (NM_001354896.2); c.4789del, p.Ser1597fs (NM_001354897.2); c.4684del, p.Ser1562fs (NM_001354898.2); c.4675del, p.Ser1559fs (NM_001354899.2); c.4636del, p.Ser1546fs (NM_001354900.2); c.4582del, p.Ser1528fs (NM_001354901.2); and 16 more; short protein forms S1528fs, S1569fs, S1304fs, S1461fs, S1486fs, S1546fs, S1559fs, S1587fs.
Identifiers: ClinVar variation 1742874 (VCV001742874.2), dbSNP rs2533597949, ClinGen allele CA2580072563.

ClinVar aggregate classification (germline): Pathogenic (1 of 4 stars; one submission).

Conditions:
Hereditary cancer-predisposing syndrome. Also called: Hereditary Cancer Syndrome; Hereditary neoplastic syndrome; Neoplastic Syndromes, Hereditary; Tumor predisposition. Identifiers: Orphanet 140162, MedGen C0027672, MeSH D009386, MONDO:0015356.

Submission:

Ambry Genetics
Classification: Pathogenic for Hereditary cancer-predisposing syndrome. Last evaluated: 2021-06-08. Review status: criteria provided, single submitter. Criteria: Ambry Variant Classification Scheme 2023. Collection method: clinical testing. Allele origin: germline.
Comment: The c.4759delT pathogenic mutation, located in coding exon 15 of the APC gene, results from a deletion of one nucleotide at nucleotide position 4759, causing a translational frameshift with a predicted alternate stop codon (p.S1587Hfs*63). This alteration occurs at the 3' terminus of the APC gene, is not expected to trigger nonsense-mediated mRNA decay, and impacts the last 1257 amino acids (44%) of the protein. However, premature stop codons are typically deleterious in nature and the impacted region is critical for protein function (Ambry internal data). Based on the supporting evidence, this alteration is interpreted as a disease-causing mutation.